The following is an entry in ClinVar:

NM_002778.4(PSAP):c.670G>T (p.Glu224Ter)

Gene: PSAP (prosaposin; minus strand). Cytogenetic location: 10q22.1.
Variant type: single nucleotide variant.
Coding change: c.670G>T on transcript NM_002778.4 (MANE Select); coding-DNA position 670, G replaced by T.
Protein change: p.Glu224Ter; replaces glutamic acid 224 with a stop codon.
Molecular consequence: nonsense.
Genome position (GRCh38, 1-based): chr10:71,828,064, C>A on the plus strand (G>T on the coding strand, the complement: PSAP is on the minus strand). VCF-style: chr10-71828064-C-A. GRCh37 (hg19) VCF-style: chr10-73587821-C-A.
Other names: c.670G>T, p.Glu224Ter (NM_001042465.3, NM_001042466.3); short protein forms E224*.
Identifiers: ClinVar variation 1438752 (VCV001438752.6), dbSNP rs2133043442, ClinGen allele CA377151021.

ClinVar aggregate classification (germline): Pathogenic (1 of 4 stars; one submission).

Conditions:
Sphingolipid activator protein 1 deficiency. Also called: Saposin B Deficiency; METACHROMATIC LEUKODYSTROPHY DUE TO CEREBROSIDE SULFATASE ACTIVATOR DEFICIENCY; Metachromatic leukodystrophy due to saposin B deficiency. Identifiers: Orphanet 512, MedGen C0268262, MONDO:0009590, OMIM 249900.

Submission:

Labcorp Genetics (formerly Invitae), Labcorp
Classification: Pathogenic for Sphingolipid activator protein 1 deficiency. Last evaluated: 2021-01-11. Review status: criteria provided, single submitter. Criteria: Invitae Variant Classification Sherloc (09022015). Collection method: clinical testing. Allele origin: germline.
Comment: This sequence change creates a premature translational stop signal (p.Glu224*) in the PSAP gene. It is expected to result in an absent or disrupted protein product. Loss-of-function variants in PSAP are known to be pathogenic (PMID: 11309366, 19267410). This variant is not present in population databases (ExAC no frequency). For these reasons, this variant has been classified as Pathogenic. This variant has not been reported in the literature in individuals with PSAP-related conditions.

Literature cited by the submitters: PubMed 11309366; PubMed 19267410.